The following is an entry in ClinVar:

ClinVar aggregate classification (germline): Likely pathogenic. Review status: criteria provided, multiple submitters, no conflicts (2 of 4 stars). 3 submissions from 3 submitters: Likely pathogenic (3). Last evaluated 2024-03-06.

Conditions:
Inborn genetic diseases. Identifiers: MedGen C0950123, MeSH D030342.
Intellectual developmental disorder, autosomal dominant 65. Also called: MENTAL RETARDATION, AUTOSOMAL DOMINANT 65. Identifiers: MedGen C5543371, MONDO:0023657, OMIM 619320.

Submissions (3):

MVZ Medizinische Genetik Mainz
Classification: Likely pathogenic for Intellectual developmental disorder, autosomal dominant 65. Last evaluated: 2024-03-06. Review status: criteria provided, single submitter. Criteria: UK Practice Guidelines For Variant Classification V4 01 2020. Collection method: clinical testing. Allele origin: germline. Inheritance: Autosomal dominant inheritance. Affected: yes. Observed: 1 variant allele.
Comment: ACMG Criteria: PP3_STR,PS2_MOD,PS4_SUP,PM2_SUP

Ambry Genetics
Classification: Likely pathogenic for Inborn genetic diseases. Last evaluated: 2022-06-23. Review status: criteria provided, single submitter. Criteria: Ambry Variant Classification Scheme 2023. Collection method: clinical testing. Allele origin: germline.
Comment: The c.2303A>G (p.H768R) alteration is located in exon 15 (coding exon 13) of the KDM4B gene. This alteration results from a A to G substitution at nucleotide position 2303, causing the histidine (H) at amino acid position 768 to be replaced by an arginine (R). This variant was not reported in population-based cohorts in the Genome Aggregation Database (gnomAD). This alteration has been reported de novo in a patient with global developmental delay, neonatal seizures, obstructive hydrocephalus, agenesis of the corpus callosum, white matter cysts, polymicrogyria, and dysmorphic features (Duncan, 2020). This amino acid position is highly conserved in available vertebrate species. Based on internal structural analysis, this variant disrupts a Zn-binding site and is predicted to be deleterious. This alteration is predicted to be deleterious by in silico analysis. Based on the available evidence, this alteration is classified as likely pathogenic.

GeneDx
Classification: Likely pathogenic. Last evaluated: 2020-10-28. Review status: criteria provided, single submitter. Criteria: GeneDx Variant Classification (06012015). Collection method: clinical testing. Allele origin: germline. Affected: yes.
Comment: Not observed in large population cohorts (Lek et al., 2016). In silico analysis supports that this missense variant has a deleterious effect on protein structure/function. In addition, in silico splice predictors suggest this variant may lead to abnormal gene splicing. In the absence of RNA/functional studies, the actual effect of this sequence change is unknown. We interpret H768R as a likely pathogenic variant.

Literature cited by the submitters: PubMed 33232677 (cited by Ambry Genetics).

NM_015015.3(KDM4B):c.2303A>G (p.His768Arg)

Gene: KDM4B (lysine demethylase 4B; plus strand). Cytogenetic location: 19p13.3.
Variant type: single nucleotide variant.
Coding change: c.2303A>G on transcript NM_015015.3 (MANE Select); coding-DNA position 2303, A replaced by G.
Protein change: p.His768Arg; replaces histidine 768 with arginine.
Molecular consequence: missense variant.
Genome position (GRCh38, 1-based): chr19:5,135,556, A>G. VCF-style: chr19-5135556-A-G. GRCh37 (hg19) VCF-style: chr19-5135567-A-G.
Other names: short protein forms H768R.
Identifiers: ClinVar variation 983227 (VCV000983227.4), dbSNP rs2039634438, ClinGen allele CA403503149.